The following is an entry in ClinVar:

NM_001080.3(ALDH5A1):c.1354G>C (p.Glu452Gln)

Gene: ALDH5A1 (aldehyde dehydrogenase 5 family member A1; plus strand). Cytogenetic location: 6p22.3.
Variant type: single nucleotide variant.
Coding change: c.1354G>C on transcript NM_001080.3 (MANE Select); coding-DNA position 1354, G replaced by C.
Protein change: p.Glu452Gln; replaces glutamic acid 452 with glutamine.
Molecular consequence: missense variant.
Genome position (GRCh38, 1-based): chr6:24,532,129, G>C. VCF-style: chr6-24532129-G-C. GRCh37 (hg19) VCF-style: chr6-24532357-G-C.
Other names: c.1210G>C, p.Glu404Gln (NM_001368954.1); c.1393G>C, p.Glu465Gln (NM_170740.1); short protein forms E404Q, E452Q, E465Q.
Identifiers: ClinVar variation 656746 (VCV000656746.7), dbSNP rs781336101, ClinGen allele CA3656927.

ClinVar aggregate classification (germline): Uncertain significance. Review status: criteria provided, multiple submitters, no conflicts (2 of 4 stars). 2 submissions from 2 submitters: Uncertain significance (2). Last evaluated 2024-07-22.

Conditions:
Inborn genetic diseases. Identifiers: MedGen C0950123, MeSH D030342.
Succinate-semialdehyde dehydrogenase deficiency (SSADHD). Also called: SSADH DEFICIENCY; 4-HYDROXYBUTYRIC ACIDURIA; GABA METABOLIC DEFECT; Succinic Semialdehyde Dehydrogenase Deficiency. Identifiers: Orphanet 22, MedGen C0268631, MONDO:0010083, OMIM 271980.

Allele frequency attached by ClinVar (database versions not stated): gnomAD exomes below 0.00001; ExAC 0.00001; gnomAD 0.00003 and 0.00004; TOPMed 0.00004.
gnomAD v4.1: 6 of 1,614,038 alleles (0.00037%); highest among the groups gnomAD compares: African/African-American, 0.0067%; no homozygotes.

Submissions (2):

Ambry Genetics
Classification: Uncertain significance for Inborn genetic diseases. Last evaluated: 2024-07-22. Review status: criteria provided, single submitter. Criteria: Ambry Variant Classification Scheme 2023. Collection method: clinical testing. Allele origin: germline.

Labcorp Genetics (formerly Invitae), Labcorp
Classification: Uncertain significance for Succinate-semialdehyde dehydrogenase deficiency. Last evaluated: 2022-07-05. Review status: criteria provided, single submitter. Criteria: Invitae Variant Classification Sherloc (09022015). Collection method: clinical testing. Allele origin: germline.
Comment: This sequence change replaces glutamic acid, which is acidic and polar, with glutamine, which is neutral and polar, at codon 452 of the ALDH5A1 protein (p.Glu452Gln). This variant is present in population databases (rs781336101, gnomAD 0.008%). This variant has not been reported in the literature in individuals affected with ALDH5A1-related conditions. ClinVar contains an entry for this variant (Variation ID: 656746). Advanced modeling of protein sequence and biophysical properties (such as structural, functional, and spatial information, amino acid conservation, physicochemical variation, residue mobility, and thermodynamic stability) performed at Invitae indicates that this missense variant is expected to disrupt ALDH5A1 protein function. In summary, the available evidence is currently insufficient to determine the role of this variant in disease. Therefore, it has been classified as a Variant of Uncertain Significance.